The following is an entry in ClinVar:

NM_031372.4(HNRNPDL):c.274T>A (p.Ser92Thr)

Gene: HNRNPDL (heterogeneous nuclear ribonucleoprotein D like; minus strand). Cytogenetic location: 4q21.22.
Variant type: single nucleotide variant.
Coding change: c.274T>A on transcript NM_031372.4 (MANE Select); coding-DNA position 274, T replaced by A.
Protein change: p.Ser92Thr; replaces serine 92 with threonine.
Molecular consequence: missense variant. On other transcripts: non-coding transcript variant (1).
Genome position (GRCh38, 1-based): chr4:82,429,417, A>T on the plus strand (T>A on the coding strand, the complement: HNRNPDL is on the minus strand). VCF-style: chr4-82429417-A-T. GRCh37 (hg19) VCF-style: chr4-83350570-A-T.
Other names: c.274T>A, p.Ser92Thr (NM_001207000.1); short protein forms S92T.
Identifiers: ClinVar variation 4880993 (VCV004880993.2).

ClinVar aggregate classification (germline): Uncertain significance (1 of 4 stars; one submission).

Conditions:
Autosomal dominant limb-girdle muscular dystrophy type 1G (LGMDD3). Also called: Limb-girdle muscular dystrophy, type 1G; MUSCULAR DYSTROPHY, LIMB-GIRDLE, AUTOSOMAL DOMINANT 3. Identifiers: Orphanet 55596, MedGen C1836765, MONDO:0012193, OMIM 609115.

gnomAD v4.1: 1 of 1,613,070 alleles (0.000062%); no homozygotes.

Submission:

Dasa
Classification: Uncertain significance for Autosomal dominant limb-girdle muscular dystrophy type 1G. Last evaluated: 2026-04-02. Review status: criteria provided, single submitter. Criteria: DASA Assertion Criteria. Collection method: clinical testing. Allele origin: germline.
Comment: NM_031372.4(HNRNPDL):c.274T>A (p.Ser92Thr) is a missense variant that results in the substitution of serine with threonine. This variant is rare in population databases. Computational prediction algorithms are consistent with a benign effect. The currently available literature and clinical evidence are not sufficient to establish a definitive association between this variant and the reported condition. Therefore, this variant is classified as a variant of uncertain significance.